The following is an entry in ClinVar:

ClinVar aggregate classification (germline): Likely benign (1 of 4 stars; one submission).

gnomAD v4.1: 338 of 1,124,740 alleles (0.03%); highest among the groups gnomAD compares: Non-Finnish European, 0.035%; 1 homozygote.

Submission:

CeGaT Center for Human Genetics Tuebingen
Classification: Likely benign. Last evaluated: 2025-08-01. Review status: criteria provided, single submitter. Criteria: CeGaT Center For Human Genetics Tuebingen Variant Classification Criteria Version 2. Collection method: clinical testing. Allele origin: germline. Affected: yes. Observed: 1 variant allele.
Comment: NRG1: BP4

NM_001159995.3(NRG1):c.37+564G>T

Gene: NRG1 (neuregulin 1; plus strand). Cytogenetic location: 8p12.
Variant type: single nucleotide variant.
Coding change: c.37+564G>T on transcript NM_001159995.3; 564 bases into the intron after coding-DNA position 37, G replaced by T.
Molecular consequence: intron variant. On other transcripts: missense variant (1).
Genome position (GRCh38, 1-based): chr8:31,639,995, G>T. VCF-style: chr8-31639995-G-T. GRCh37 (hg19) VCF-style: chr8-31497511-G-T.
Other names: c.11G>T, p.Arg4Leu (NM_013962.3); c.37+564G>T (NM_001159999.3, NM_001160001.3); c.-556+564G>T (NM_001322201.2); c.-505+564G>T (NM_001322202.2); short protein forms R4L.
Identifiers: ClinVar variation 4083691 (VCV004083691.8).